The following is an entry in ClinVar:

ClinVar aggregate classification (germline): Pathogenic. Review status: reviewed by expert panel (3 of 4 stars). 3 submissions from 3 submitters: Pathogenic (1). 2 of the submissions do not count toward it. Last evaluated 2025-10-15.

Conditions:
Autosomal recessive limb-girdle muscular dystrophy. Identifiers: Orphanet 102015, MedGen C2931907, MONDO:0015152.
Neuromuscular disease caused by qualitative or quantitative defects of dysferlin. Also called: Qualitative or quantitative defects of dysferlin; Dysferlinopathy. Identifiers: Orphanet 207073, MedGen C2931687, MONDO:0016145.
Autosomal recessive limb-girdle muscular dystrophy type 2B (LGMDR2). Also called: MUSCULAR DYSTROPHY, LIMB-GIRDLE, TYPE 3; MUSCULAR DYSTROPHY, LIMB-GIRDLE, AUTOSOMAL RECESSIVE 2; Limb-Girdle Muscular Dystrophy Type 2B (LGMD2B); Limb-girdle muscular dystrophy, type 2B. Identifiers: Orphanet 268, MedGen C1850889, MONDO:0009676, OMIM 253601.

gnomAD v4.1: 1 of 1,614,148 alleles (0.000062%); highest among the groups gnomAD compares: Non-Finnish European, 0.000085%; no homozygotes.

Submissions (3):

ClinGen Limb Girdle Muscular Dystrophy Variant Curation Expert Panel, ClinGen
Classification: Pathogenic for Autosomal recessive limb-girdle muscular dystrophy. Last evaluated: 2025-10-15. Review status: reviewed by expert panel. Criteria: ClinGen LGMD VCEP ACMG Specifications DYSF V2.0.0. Collection method: curation. Allele origin: germline. Inheritance: Autosomal recessive inheritance.
Comment: The NM_003494.4:c.6217A>G variant in DYSF, which is also known as NM_001130987.2: c.6334A>G p.(Met2112Val), is a missense variant expected to cause the substitution of valine for methionine at amino acid 2073, p.(Met2073Val). This variant has been reported in at least three patients with features consistent with LGMD or dysferlinopathy (PMID: 39350328, 37974208, 33560664, 17828519, 17129727; LOVD Individual #00313788); in two of these individuals, it was identified in a compound heterozygous state with a likely pathogenic or pathogenic variant (NM_003494.4: c.5350C>T p.(Gln1784Ter), 1.0 pt, PMID: 39350328, 37974208, 33560664; NM_003494.4: c.1813C>T p.(Gln605Ter), 1.0 pt, PMID: 17828519, 17129727) (PM3_Strong). At least one patient with this variant and a second presumed diagnostic DYSF variant exhibited muscle weakness with a clinical diagnosis of LGMD and had severely reduced or absent dysferlin protein expression in skeletal muscle, which is highly specific for DYSF-related LGMD (PMID: 37974208, 33560664; LOVD Individual #00455530; PP4_Strong). The highest population allele frequency for this variant 8.475e-7 in gnomAD v4.1.0 (1/1180004 European (non-Finnish) alleles), which is less than the VCEP threshold for PM2_Supporting, meeting this criterion (PM2_Supporting). The computational predictor REVEL gives a score of 0.838, which is greater than the VCEP threshold of ≥0.70, evidence that correlates with impact to DYSF function. In summary, this variant meets the criteria to be classified as Pathogenic for autosomal recessive limb girdle muscular dystrophy based on the ACMG/AMP criteria applied, as specified by the ClinGen LGMD VCEP (LGMD VCEP specifications version 2.0.0; 10/15/2025): PM3_Strong, PP4_Strong, PP3, PM2_Supporting.

Natera, Inc.
Classification: Likely pathogenic for Limb-girdle muscular dystrophy type 2B. Last evaluated: 2025-02-26. Review status: criteria provided, single submitter. Criteria: Natera Variant Classification Schema (03/2026). Collection method: clinical testing. Allele origin: germline. Not counted in ClinVar's aggregate classification.
Comment: The c.6217A>G variant in DYSF is a missense variant predicted to cause substitution of methionine to valine at amino acid 2073. This variant is rare in the general population with a frequency below the threshold expected for the associated phenotype(s). This variant has been observed in one or more individuals affected with the associated recessive disease, as either homozygous or compound heterozygous with a second variant (PMID: 33560664, 17129727). Computational prediction algorithms indicate this variant is likely to affect gene or protein function. Given the available evidence, this variant is classified as Likely Pathogenic.

Labcorp Genetics (formerly Invitae), Labcorp
Classification: Pathogenic for Neuromuscular disease caused by qualitative or quantitative defects of dysferlin. Last evaluated: 2021-01-14. Review status: criteria provided, single submitter. Criteria: Invitae Variant Classification Sherloc (09022015). Collection method: clinical testing. Allele origin: germline. Not counted in ClinVar's aggregate classification.
Comment: Advanced modeling of protein sequence and biophysical properties (such as structural, functional, and spatial information, amino acid conservation, physicochemical variation, residue mobility, and thermodynamic stability) performed at Invitae indicates that this missense variant is expected to disrupt DYSF protein function. For these reasons, this variant has been classified as Pathogenic. This variant has been observed in individual(s) with DYSF-related conditions (PMID: 17129727). In at least one individual the data is consistent with the variant being in trans (on the opposite chromosome) from a pathogenic variant. This sequence change replaces methionine with valine at codon 2073 of the DYSF protein (p.Met2073Val). The methionine residue is moderately conserved and there is a small physicochemical difference between methionine and valine. This variant is not present in population databases (ExAC no frequency).

Literature cited by the submitters: PubMed 33560664 (cited by Natera, Inc.); PubMed 17129727 (cited by Natera, Inc. and Labcorp Genetics (formerly Invitae), Labcorp).

NM_001130987.2(DYSF):c.6334A>G (p.Met2112Val)

Gene: DYSF (dysferlin; plus strand). Cytogenetic location: 2p13.2.
Variant type: single nucleotide variant.
Coding change: c.6334A>G on transcript NM_001130987.2 (MANE Select); coding-DNA position 6334, A replaced by G.
Protein change: p.Met2112Val; replaces methionine 2112 with valine.
Molecular consequence: missense variant.
Genome position (GRCh38, 1-based): chr2:71,686,466, A>G. VCF-style: chr2-71686466-A-G. GRCh37 (hg19) VCF-style: chr2-71913596-A-G.
Other names: NM_001130987.2(DYSF):c.6334A>G; p.Met2112Val; c.6217A>G (NM_003494.3); c.6241A>G, p.Met2081Val (NM_001130984.2); c.6271A>G, p.Met2091Val (NM_001130985.2); c.6178A>G, p.Met2060Val (NM_001130986.2); c.6217A>G, p.Met2073Val (NM_003494.4); c.6220A>G, p.Met2074Val (NM_001130455.2); and 8 more; short protein forms M2059V, M2104V, M2111V, M2112V, M2080V, M2095V, M2073V, M2081V.
Identifiers: ClinVar variation 1444196 (VCV001444196.9), dbSNP rs2152976526, ClinGen allele CA347227869.